The following is an entry in ClinVar:

NM_152564.5(VPS13B):c.1652-2A>T

Gene: VPS13B (vacuolar protein sorting 13 homolog B; plus strand). Cytogenetic location: 8q22.2.
Variant type: single nucleotide variant.
Coding change: c.1652-2A>T on transcript NM_152564.5 (MANE Select); the canonical splice acceptor site of the intron before coding-DNA position 1652, A replaced by T.
Molecular consequence: splice acceptor variant.
Genome position (GRCh38, 1-based): chr8:99,142,972, A>T. VCF-style: chr8-99142972-A-T. GRCh37 (hg19) VCF-style: chr8-100155200-A-T.
Other names: c.1652-2A>T (NM_017890.5, NM_015243.3).
Identifiers: ClinVar variation 1506310 (VCV001506310.6), dbSNP rs2132580903, ClinGen allele CA371863780.

ClinVar aggregate classification (germline): Likely pathogenic (1 of 4 stars; one submission).

Conditions:
Cohen syndrome (COH1). Also called: Cutis verticis gyrata, retinitis pigmentosa, and sensorineural deafness; PEPPER SYNDROME. Identifiers: Orphanet 193, MedGen C0265223, MONDO:0008999, OMIM 216550.

Submission:

Labcorp Genetics (formerly Invitae), Labcorp
Classification: Likely pathogenic for Cohen syndrome. Last evaluated: 2021-11-06. Review status: criteria provided, single submitter. Criteria: Invitae Variant Classification Sherloc (09022015). Collection method: clinical testing. Allele origin: germline.
Comment: In summary, the currently available evidence indicates that the variant is pathogenic, but additional data are needed to prove that conclusively. Therefore, this variant has been classified as Likely Pathogenic. Algorithms developed to predict the effect of sequence changes on RNA splicing suggest that this variant may disrupt the consensus splice site. This variant has not been reported in the literature in individuals affected with VPS13B-related conditions. This variant is not present in population databases (gnomAD no frequency). This sequence change affects an acceptor splice site in intron 12 of the VPS13B gene. It is expected to disrupt RNA splicing. Variants that disrupt the donor or acceptor splice site typically lead to a loss of protein function (PMID: 16199547), and loss-of-function variants in VPS13B are known to be pathogenic (PMID: 15141358, 16648375, 20461111).

Literature cited by the submitters: PubMed 16199547; PubMed 15141358; PubMed 16648375; PubMed 20461111.